The following is an entry in ClinVar:

ClinVar aggregate classification (germline): Uncertain significance (1 of 4 stars; one submission).

Submission:

Labcorp Genetics (formerly Invitae), Labcorp
Classification: Uncertain significance. Last evaluated: 2022-02-10. Review status: criteria provided, single submitter. Criteria: Invitae Variant Classification Sherloc (09022015). Collection method: clinical testing. Allele origin: germline.
Comment: This sequence change replaces serine, which is neutral and polar, with glycine, which is neutral and non-polar, at codon 556 of the RNF168 protein (p.Ser556Gly). This variant is not present in population databases (gnomAD no frequency). In summary, the available evidence is currently insufficient to determine the role of this variant in disease. Therefore, it has been classified as a Variant of Uncertain Significance. Algorithms developed to predict the effect of missense changes on protein structure and function (SIFT, PolyPhen-2, Align-GVGD) all suggest that this variant is likely to be tolerated. This variant has not been reported in the literature in individuals affected with RNF168-related conditions.

NM_152617.4(RNF168):c.1666A>G (p.Ser556Gly)

Gene: RNF168 (ring finger protein 168; minus strand). Cytogenetic location: 3q29.
Variant type: single nucleotide variant.
Coding change: c.1666A>G on transcript NM_152617.4 (MANE Select); coding-DNA position 1666, A replaced by G.
Protein change: p.Ser556Gly; replaces serine 556 with glycine.
Molecular consequence: missense variant.
Genome position (GRCh38, 1-based): chr3:196,471,869, T>C on the plus strand (A>G on the coding strand, the complement: RNF168 is on the minus strand). VCF-style: chr3-196471869-T-C. GRCh37 (hg19) VCF-style: chr3-196198740-T-C.
Other names: short protein forms S556G.
Identifiers: ClinVar variation 1429817 (VCV001429817.8), dbSNP rs2108643726, ClinGen allele CA355614307.